The following is an entry in ClinVar:

ClinVar aggregate classification (germline): Pathogenic. Review status: reviewed by expert panel (3 of 4 stars). 8 submissions from 8 submitters: Pathogenic (1). 7 of the submissions do not count toward it. Last evaluated 2021-11-03.

Conditions:
ITGA2B-related disorder. Also called: ITGA2B-related disorders; ITGA2B-related condition.
Glanzmann thrombasthenia 1 (GT1). Also called: BLEEDING DISORDER, PLATELET-TYPE, 2; GP IIb-IIIa COMPLEX DEFICIENCY; GLYCOPROTEIN COMPLEX IIb-IIIa DEFICIENCY; PLATELET FIBRINOGEN RECEPTOR DEFICIENCY. Identifiers: MedGen CN300358, MONDO:0031332, OMIM 273800.
Glanzmann thrombasthenia. Also called: Thrombasthenia; Glanzmann's thrombasthenia; THROMBASTHENIA OF GLANZMANN AND NAEGELI; PLATELET GLYCOPROTEIN IIb-IIIa DEFICIENCY. Identifiers: Orphanet 849, MedGen C0040015, MONDO:0100326.

gnomAD v4.1: 11 of 1,613,272 alleles (0.00068%); highest among the groups gnomAD compares: Admixed American, 0.0083%; no homozygotes.

Submissions (8):

ClinGen Platelet Disorders Variant Curation Expert Panel, ClinGen
Classification: Pathogenic for Glanzmann thrombasthenia. Last evaluated: 2021-11-03. Review status: reviewed by expert panel. Criteria: ClinGen Platelet ACMG Specifications v2. Collection method: curation. Allele origin: germline. Inheritance: Autosomal recessive inheritance.
Comment: The c.1234G>A (p.Gly412Arg) variant has been reported in at least six GT patients in the literature; at least 4 of them (from PMIDs: 29675921, 24418945, 19691478, 21557682) with a phenotype highly specific to GT. This includes 2 homozygotes and 4 compound heterozygotes. The variant is found at an extremely low frequency, with an the overall allele frequency on gnomAD is 0.00010 (5/49256) alleles in the Latino population). Multiple lines of computational evidence support a deleterious effect on the gene/gene product; HumanSplicingFinder and MaxEntScan agree that there is activation of an exonic cryptic acceptor site with potential alteration of splicing. In summary, this variant meets criteria to be classified as Pathogenic for GT. GT-specific criteria applied: PM3_Strong, PM2_Supporting, and PP4_Strong.

Labcorp Genetics (formerly Invitae), Labcorp
Classification: Pathogenic for Glanzmann thrombasthenia. Last evaluated: 2026-01-07. Review status: criteria provided, single submitter. Criteria: Invitae Variant Classification Sherloc (09022015). Collection method: clinical testing. Allele origin: germline. Not counted in ClinVar's aggregate classification.
Comment: This sequence change replaces glycine, which is neutral and non-polar, with arginine, which is basic and polar, at codon 412 of the ITGA2B protein (p.Gly412Arg). This variant is present in population databases (rs780786843, gnomAD 0.01%). This missense change has been observed in individuals with autosomal recessive Glanzmann’s thrombasthenia (PMID: 11798398, 19691478, 21557682, 29675921). This variant is also known as p.Gly381Arg. ClinVar contains an entry for this variant (Variation ID: 381748). Invitae Evidence Modeling of protein sequence and biophysical properties (such as structural, functional, and spatial information, amino acid conservation, physicochemical variation, residue mobility, and thermodynamic stability) indicates that this missense variant is expected to disrupt ITGA2B protein function with a positive predictive value of 95%. For these reasons, this variant has been classified as Pathogenic.

Women's Health and Genetics/Laboratory Corporation of America, LabCorp
Classification: Pathogenic for Glanzmann thrombasthenia 1. Last evaluated: 2025-03-07. Review status: criteria provided, single submitter. Criteria: LabCorp Variant Classification Summary - May 2015. Collection method: clinical testing. Allele origin: germline. Not counted in ClinVar's aggregate classification.
Comment: Variant summary: ITGA2B c.1234G>A (p.Gly412Arg) results in a non-conservative amino acid change in the encoded protein sequence. Five of five in-silico tools predict a damaging effect of the variant on protein function. The variant allele was found at a frequency of 3.2e-05 in 247394 control chromosomes (gnomAD). c.1234G>A has been reported in the literature in multiple individuals affected with Glanzmann thrombasthenia 1 (e.g. Vinciguerra_2001, Kannan_2009, Pontana_2014, Nurden_2015, Zhou_2018). These data indicate that the variant is very likely to be associated with disease. The following publications have been ascertained in the context of this evaluation (PMID: 11798398, 29675921, 32237906, 24418945, 19691478, 25728920). ClinVar contains an entry for this variant (Variation ID: 381748). Based on the evidence outlined above, the variant was classified as pathogenic.

Blueprint Genetics
Classification: Pathogenic for ITGA2B-related disorders. Last evaluated: 2024-10-21. Review status: criteria provided, single submitter. Criteria: ACMG Guidelines, 2015. Collection method: clinical testing. Allele origin: germline. Affected: yes. Observed: 1 variant allele. Not counted in ClinVar's aggregate classification.

Cell Therapy Center, University of Jordan
Classification: Pathogenic for Glanzmann thrombasthenia 1. Last evaluated: 2024-05-07. Review status: criteria provided, single submitter. Criteria: ACMG Guidelines, 2015. Collection method: clinical testing. Allele origin: germline. Inheritance: Autosomal recessive inheritance. Affected: no and yes. Observed: 4 variant alleles, 4 heterozygotes, 2 homozygotes. Clinical features observed: Menorrhagia (HP:0000132), Prolonged bleeding time (HP:0003010), Gingival bleeding (HP:0000225), Bruising susceptibility (HP:0000978), Impaired clot retraction (HP:0031126), Prolonged bleeding after dental extraction (HP:0006298), Impaired ADP-induced platelet aggregation (HP:0004866), Prolonged bleeding after surgery (HP:0004846), Abnormal bleeding (HP:0001892), Gastrointestinal hemorrhage (HP:0002239). Not counted in ClinVar's aggregate classification.
Comment: The ITGA2B c.1234G>A (p.Gly412Arg), is a missense variant which is classified as Pathogenic according to ACMG Guidelines (2015). PM3: applies since Glanzmann is an autosomal recessive and the variant is observed ”in trans”. PP4 applies since the patient is homozygous for the variant, with a phenotype consistent with GT and the family history is consistent with the mode of inheritance of the disorder. PM1 applies since it is located in a mutational hot spot without benign missense mutations located around ± 5 residues. PM2 applies since it is absent from controls in Sequencing Project the genomAD. PP2 applies since ITGA2B gene missense variation is a common cause of disease for GT. PP5 is used since the mutation is reported as pathogenic in ClinVar where number of submissions were : 4 Pathogenic (RCV002244886.3, RCV004551447.2) 1 likely pathogenic (RCV001225257.7) , and I uncertain (RCV000425256.2). All together, giving the evidence that supports a pathogenic classification, meeting ACMG criteria PM3, PM2,PP4, PM1, PP2, and PP5.

PreventionGenetics, part of Exact Sciences
Classification: Pathogenic for ITGA2B-related condition. Last evaluated: 2023-03-22. Review status: criteria provided, single submitter. Criteria: ACMG Guidelines, 2015. Collection method: clinical testing. Allele origin: germline. Not counted in ClinVar's aggregate classification.
Comment: The ITGA2B c.1234G>A variant is predicted to result in the amino acid substitution p.Gly412Arg. This variant is also described using legacy nomenclature as p.Gly381Arg, has been reported in homozygous and compound heterozygous states in multiple individuals with Glanzmann’s Thrombasthenia (Vinciguerra et al. 2001. PubMed ID: 11798398; Kannan et al. 2009. PubMed ID: 19691478; Nurden et al. 2011. PubMed ID: 21557682; Zhou et al. 2018. PubMed ID: 29675921. Table S2). This variant is reported in 0.015% of alleles in individuals of Latino descent in gnomAD. This variant is interpreted as pathogenic.

GeneDx
Classification: Uncertain significance. Last evaluated: 2019-05-21. Review status: criteria provided, single submitter. Criteria: GeneDx Variant Classification Process June 2021. Collection method: clinical testing. Allele origin: germline. Affected: yes. Not counted in ClinVar's aggregate classification.
Comment: In silico analysis, which includes protein predictors, splice predictors, and evolutionary conservation, supports a deleterious effect; This variant is associated with the following publications: (PMID: 19172520, 11798398, 21557682, 19691478, 25275492, 29675921, 32237906)

ISTH-SSC Genomics in Thrombosis and Hemostasis, KU Leuven, Center for Molecular and Vascular Biology
Classification: Pathogenic for Glanzmann thrombasthenia 1. Review status: no assertion criteria provided. Collection method: clinical testing. Allele origin: germline. Affected: yes. Not counted in ClinVar's aggregate classification.
Comment: Submitted to GoldVariant by Loredana Bury - Paolo Gresele from University of Perugia, Department of Medicine and Surgery, Centre for Hemostasis and Thrombosis, Italy

Literature cited by the submitters: PubMed 24418945 (cited by ClinGen Platelet Disorders Variant Curation Expert Panel, ClinGen and Women's Health and Genetics/Laboratory Corporation of America, LabCorp); PubMed 27607598 (cited by ClinGen Platelet Disorders Variant Curation Expert Panel, ClinGen); PubMed 21557682 (cited by ClinGen Platelet Disorders Variant Curation Expert Panel, ClinGen and Labcorp Genetics (formerly Invitae), Labcorp); PubMed 19691478 (cited by 3 submitters); PubMed 29675921 (cited by 3 submitters); PubMed 11798398 (cited by 3 submitters); PubMed 25728920 (cited by Women's Health and Genetics/Laboratory Corporation of America, LabCorp); PubMed 32237906 (cited by Women's Health and Genetics/Laboratory Corporation of America, LabCorp).

NM_000419.5(ITGA2B):c.1234G>A (p.Gly412Arg)

Gene: ITGA2B (integrin subunit alpha 2b; minus strand). Cytogenetic location: 17q21.31.
Variant type: single nucleotide variant.
Coding change: c.1234G>A on transcript NM_000419.5 (MANE Select); coding-DNA position 1234, G replaced by A.
Protein change: p.Gly412Arg; replaces glycine 412 with arginine.
Molecular consequence: missense variant.
Genome position (GRCh38, 1-based): chr17:44,381,038, C>T on the plus strand (G>A on the coding strand, the complement: ITGA2B is on the minus strand). VCF-style: chr17-44381038-C-T. GRCh37 (hg19) VCF-style: chr17-42458406-C-T.
Other names: c.1234G>A (NM_000419.4, LRG_479t1); short protein forms G412R.
Identifiers: ClinVar variation 381748 (VCV000381748.15), dbSNP rs780786843, ClinGen allele CA8603182.